The following is an entry in ClinVar:

NM_000370.3(TTPA):c.809T>C (p.Leu270Pro)

Gene: TTPA (alpha tocopherol transfer protein; minus strand). Cytogenetic location: 8q12.3.
Variant type: single nucleotide variant.
Coding change: c.809T>C on transcript NM_000370.3 (MANE Select); coding-DNA position 809, T replaced by C.
Protein change: p.Leu270Pro; replaces leucine 270 with proline.
Molecular consequence: missense variant.
Genome position (GRCh38, 1-based): chr8:63,061,280, A>G on the plus strand (T>C on the coding strand, the complement: TTPA is on the minus strand). VCF-style: chr8-63061280-A-G. GRCh37 (hg19) VCF-style: chr8-63973839-A-G.
Other names: short protein forms L270P.
Identifiers: ClinVar variation 1366601 (VCV001366601.9), dbSNP rs2129734157, ClinGen allele CA371331664.

ClinVar aggregate classification (germline): Uncertain significance. Review status: criteria provided, multiple submitters, no conflicts (2 of 4 stars). 2 submissions from 2 submitters: Uncertain significance (2). Last evaluated 2023-08-17.

Allele frequency attached by ClinVar (database versions not stated): gnomAD exomes below 0.00001.
gnomAD v4.1: 1 of 1,613,810 alleles (0.000062%); highest among the groups gnomAD compares: Non-Finnish European, 0.000085%; no homozygotes.

Submissions (2):

Labcorp Genetics (formerly Invitae), Labcorp
Classification: Uncertain significance. Last evaluated: 2023-08-17. Review status: criteria provided, single submitter. Criteria: Invitae Variant Classification Sherloc (09022015). Collection method: clinical testing. Allele origin: germline.
Comment: ClinVar contains an entry for this variant (Variation ID: 1366601). This variant has not been reported in the literature in individuals affected with TTPA-related conditions. This variant is not present in population databases (gnomAD no frequency). This sequence change replaces leucine, which is neutral and non-polar, with proline, which is neutral and non-polar, at codon 270 of the TTPA protein (p.Leu270Pro). Advanced modeling of protein sequence and biophysical properties (such as structural, functional, and spatial information, amino acid conservation, physicochemical variation, residue mobility, and thermodynamic stability) performed at Invitae indicates that this missense variant is expected to disrupt TTPA protein function. In summary, the available evidence is currently insufficient to determine the role of this variant in disease. Therefore, it has been classified as a Variant of Uncertain Significance.

Blueprint Genetics
Classification: Uncertain significance. Last evaluated: 2021-06-17. Review status: criteria provided, single submitter. Criteria: ACMG Guidelines, 2015. Collection method: clinical testing. Allele origin: germline.